The following is an entry in ClinVar:

ClinVar aggregate classification (germline): Likely pathogenic (1 of 4 stars; one submission).

Submission:

Dasa
Classification: Likely pathogenic. Last evaluated: 2025-05-13. Review status: criteria provided, single submitter. Criteria: DASA Assertion Criteria. Collection method: clinical testing. Allele origin: germline.
Comment: NM_178170.3(NEK8):c.561G>A (p.Trp187*) is a nonsense variant in NEK8 predicted to introduce a premature termination codon and is predicted to result in an absent or altered protein product. Loss of function is an established disease mechanism for NEK8-associated disorders. Also, this variant is absent from population databases. Based on the currently available evidence, this variant is classified as likely pathogenic.

NM_178170.3(NEK8):c.561G>A (p.Trp187Ter)

Gene: NEK8 (NIMA related kinase 8; plus strand). Cytogenetic location: 17q11.2.
Variant type: single nucleotide variant.
Coding change: c.561G>A on transcript NM_178170.3 (MANE Select); coding-DNA position 561, G replaced by A.
Protein change: p.Trp187Ter; replaces tryptophan 187 with a stop codon.
Molecular consequence: nonsense.
Genome position (GRCh38, 1-based): chr17:28,735,314, G>A. VCF-style: chr17-28735314-G-A. GRCh37 (hg19) VCF-style: chr17-27062332-G-A.
Other names: short protein forms W187*.
Identifiers: ClinVar variation 4884189 (VCV004884189.2).
Genomic context (GRCh38, chr17:28,735,314, plus strand): 5'-ATGCTATATCTCCCCTGAGCTGTGTGAGGGCAAGCCCTACAACCAGAAGAGTGACATCTG[G>A]GCCCTGGGCTGTGTCCTCTACGAGCTGGCCAGCCTCAAGAGGGCTTTCGAGGCTGCGGTG-3'